The following is an entry in ClinVar:

NM_032119.4(ADGRV1):c.16219T>C (p.Phe5407Leu)

Gene: ADGRV1 (adhesion G protein-coupled receptor V1; plus strand). Cytogenetic location: 5q14.3.
Variant type: single nucleotide variant.
Coding change: c.16219T>C on transcript NM_032119.4 (MANE Select); coding-DNA position 16219, T replaced by C.
Protein change: p.Phe5407Leu; replaces phenylalanine 5407 with leucine.
Molecular consequence: missense variant. On other transcripts: non-coding transcript variant (1).
Genome position (GRCh38, 1-based): chr5:90,823,447, T>C. VCF-style: chr5-90823447-T-C. GRCh37 (hg19) VCF-style: chr5-90119264-T-C.
Other names: short protein forms F5407L.
Identifiers: ClinVar variation 4074562 (VCV004074562.1).

ClinVar aggregate classification (germline): Uncertain significance (1 of 4 stars; one submission).

Submission:

GeneDx
Classification: Uncertain significance. Last evaluated: 2025-02-06. Review status: criteria provided, single submitter. Criteria: GeneDx Variant Classification Process June 2021. Collection method: clinical testing. Allele origin: germline. Affected: yes.
Comment: Not observed at significant frequency in large population cohorts (gnomAD); In silico analysis indicates that this missense variant does not alter protein structure/function; Has not been previously published as pathogenic or benign to our knowledge